The following is an entry in ClinVar:

ClinVar aggregate classification (germline): Uncertain significance. Review status: criteria provided, multiple submitters, no conflicts (2 of 4 stars). 2 submissions from 2 submitters: Uncertain significance (2). Last evaluated 2025-05-27.

Conditions:
POLD1-related polyposis and colorectal cancer syndrome (CRCS10). Also called: Colorectal cancer, susceptibility to, 10; Colorectal cancer 10; COLORECTAL CANCER, SUSCEPTIBILITY TO, ON CHROMOSOME 19q. Identifiers: Orphanet 220460, MedGen C2675481, MONDO:0012953, OMIM 612591.
Hereditary cancer-predisposing syndrome. Also called: Tumor predisposition; Hereditary Cancer Syndrome; Hereditary neoplastic syndrome; Neoplastic Syndromes, Hereditary. Identifiers: Orphanet 140162, MedGen C0027672, MeSH D009386, MONDO:0015356.

Allele frequency attached by ClinVar (database versions not stated): TOPMed below 0.00001.

Submissions (2):

Ambry Genetics
Classification: Uncertain significance for Hereditary cancer-predisposing syndrome. Last evaluated: 2025-05-27. Review status: criteria provided, single submitter. Criteria: Ambry Variant Classification Scheme 2023. Collection method: clinical testing. Allele origin: germline.
Comment: The p.V751E variant (also known as c.2252T>A), located in coding exon 18 of the POLD1 gene, results from a T to A substitution at nucleotide position 2252. The valine at codon 751 is replaced by glutamic acid, an amino acid with dissimilar properties. This amino acid position is highly conserved in available vertebrate species. In addition, this alteration is predicted to be deleterious by in silico analysis. Based on the available evidence, the clinical significance of this variant remains unclear.

Labcorp Genetics (formerly Invitae), Labcorp
Classification: Uncertain significance for POLD1-related polyposis and colorectal cancer syndrome. Last evaluated: 2022-10-14. Review status: criteria provided, single submitter. Criteria: Invitae Variant Classification Sherloc (09022015). Collection method: clinical testing. Allele origin: germline.
Comment: In summary, the available evidence is currently insufficient to determine the role of this variant in disease. Therefore, it has been classified as a Variant of Uncertain Significance. Algorithms developed to predict the effect of missense changes on protein structure and function are either unavailable or do not agree on the potential impact of this missense change (SIFT: "Deleterious"; PolyPhen-2: "Probably Damaging"; Align-GVGD: "Class C0"). ClinVar contains an entry for this variant (Variation ID: 1350267). This variant has not been reported in the literature in individuals affected with POLD1-related conditions. This variant is not present in population databases (gnomAD no frequency). This sequence change replaces valine, which is neutral and non-polar, with glutamic acid, which is acidic and polar, at codon 751 of the POLD1 protein (p.Val751Glu).

NM_002691.4(POLD1):c.2252T>A (p.Val751Glu)

Gene: POLD1 (DNA polymerase delta 1, catalytic subunit; plus strand). Cytogenetic location: 19q13.33.
Variant type: single nucleotide variant.
Coding change: c.2252T>A on transcript NM_002691.4 (MANE Select); coding-DNA position 2252, T replaced by A.
Protein change: p.Val751Glu; replaces valine 751 with glutamic acid.
Molecular consequence: missense variant. On other transcripts: non-coding transcript variant (1).
Genome position (GRCh38, 1-based): chr19:50,413,743, T>A. VCF-style: chr19-50413743-T-A. GRCh37 (hg19) VCF-style: chr19-50917000-T-A.
Other names: c.2252T>A, p.Val751Glu (NM_001256849.1); c.2330T>A, p.Val777Glu (NM_001308632.1); c.2252T>A (NM_002691.2); short protein forms V751E, V777E.
Identifiers: ClinVar variation 1350267 (VCV001350267.7), dbSNP rs1601238474, ClinGen allele CA406983926.
Genomic context (GRCh38, chr19:50,413,743, plus strand): 5'-ACCAGTAGTTGACAGAAGGGACCCTGCTTCTCACATACACACATCCCCACCGCCCGCAGG[T>A]GGTGTATGGTGACACTGACTCCGTCATGTGCCGATTCGGCGTGTCCTCGGTGGCTGAGGC-3'
Protein context (NP_002682.2, residues 741-761): VENGYSTSAK[Val751Glu]VYGDTDSVMC